The following is an entry in ClinVar:

ClinVar aggregate classification (germline): Likely benign (1 of 4 stars; one submission).

Conditions:
NOTCH2-related disorder. Also called: NOTCH2-related condition.

gnomAD v4.1: 5 of 1,590,954 alleles (0.00031%); highest among the groups gnomAD compares: Non-Finnish European, 0.00043%; no homozygotes.

Submission:

PreventionGenetics, part of Exact Sciences
Classification: Likely benign for NOTCH2-related condition. Last evaluated: 2026-03-31. Review status: criteria provided, single submitter. Criteria: ACMG Guidelines, 2015. Collection method: clinical testing. Allele origin: germline.
Comment: This variant is classified as likely benign based on ACMG/AMP sequence variant interpretation guidelines (Richards et al. 2015 PMID: 25741868, with internal and published modifications).

NM_024408.4(NOTCH2):c.4005+6T>C

Gene: NOTCH2 (notch receptor 2; minus strand). Cytogenetic location: 1p12.
Variant type: single nucleotide variant.
Coding change: c.4005+6T>C on transcript NM_024408.4 (MANE Select); 6 bases into the intron after coding-DNA position 4005, T replaced by C.
Molecular consequence: intron variant.
Genome position (GRCh38, 1-based): chr1:119,926,493, A>G on the plus strand (T>C on the coding strand, the complement: NOTCH2 is on the minus strand). VCF-style: chr1-119926493-A-G. GRCh37 (hg19) VCF-style: chr1-120469116-A-G.
Identifiers: ClinVar variation 4985388 (VCV004985388.1).